The following is an entry in ClinVar:

NM_001165963.4(SCN1A):c.1039G>A (p.Glu347Lys)

Gene: SCN1A (sodium voltage-gated channel alpha subunit 1; minus strand). Cytogenetic location: 2q24.3.
Variant type: single nucleotide variant.
Coding change: c.1039G>A on transcript NM_001165963.4 (MANE Select); coding-DNA position 1039, G replaced by A.
Protein change: p.Glu347Lys; replaces glutamic acid 347 with lysine.
Molecular consequence: missense variant. On other transcripts: 5 prime UTR variant (1), non-coding transcript variant (1).
Genome position (GRCh38, 1-based): chr2:166,047,758, C>T on the plus strand (G>A on the coding strand, the complement: SCN1A is on the minus strand). VCF-style: chr2-166047758-C-T. GRCh37 (hg19) VCF-style: chr2-166904268-C-T.
Other names: c.1039G>A, p.Glu347Lys (NM_001165964.3, NM_001202435.3, NM_001353948.2 and 10 more transcripts); c.-1387G>A (NM_001353961.2); short protein forms E347K.
Identifiers: ClinVar variation 2710795 (VCV002710795.3), dbSNP rs1004939915, ClinGen allele CA59798785.

ClinVar aggregate classification (germline): Uncertain significance (1 of 4 stars; one submission).

Conditions:
Early-infantile DEE. Also called: Early infantile epileptic encephalopathy with suppression bursts; Early infantile epileptic encephalopathy; Ohtahara syndrome. Identifiers: Orphanet 1934, MedGen C0393706, MONDO:0800491.

Allele frequency attached by ClinVar (database versions not stated): TOPMed below 0.00001; gnomAD 0.00001.
gnomAD v4.1: 1 of 1,613,390 alleles (0.000062%); highest among the groups gnomAD compares: Non-Finnish European, 0.000085%; no homozygotes.

Submission:

Labcorp Genetics (formerly Invitae), Labcorp
Classification: Uncertain significance for Early-infantile DEE. Last evaluated: 2024-01-22. Review status: criteria provided, single submitter. Criteria: Invitae Variant Classification Sherloc (09022015). Collection method: clinical testing. Allele origin: germline.
Comment: This sequence change replaces glutamic acid, which is acidic and polar, with lysine, which is basic and polar, at codon 347 of the SCN1A protein (p.Glu347Lys). This variant is not present in population databases (gnomAD no frequency). This variant has not been reported in the literature in individuals affected with SCN1A-related conditions. Advanced modeling of protein sequence and biophysical properties (such as structural, functional, and spatial information, amino acid conservation, physicochemical variation, residue mobility, and thermodynamic stability) performed at Invitae indicates that this missense variant is expected to disrupt SCN1A protein function with a positive predictive value of 95%. Algorithms developed to predict the effect of sequence changes on RNA splicing suggest that this variant may disrupt the consensus splice site. In summary, the available evidence is currently insufficient to determine the role of this variant in disease. Therefore, it has been classified as a Variant of Uncertain Significance.